The following is an entry in ClinVar:

NM_024753.5(TTC21B):c.58C>T (p.His20Tyr)

Gene: TTC21B (tetratricopeptide repeat domain 21B; minus strand). Cytogenetic location: 2q24.3.
Variant type: single nucleotide variant.
Coding change: c.58C>T on transcript NM_024753.5 (MANE Select); coding-DNA position 58, C replaced by T.
Protein change: p.His20Tyr; replaces histidine 20 with tyrosine.
Molecular consequence: missense variant.
Genome position (GRCh38, 1-based): chr2:165,949,688, G>A on the plus strand (C>T on the coding strand, the complement: TTC21B is on the minus strand). VCF-style: chr2-165949688-G-A. GRCh37 (hg19) VCF-style: chr2-166806198-G-A.
Other names: short protein forms H20Y.
Identifiers: ClinVar variation 1393248 (VCV001393248.8), dbSNP rs938432348, ClinGen allele CA59769373.
Genomic context (GRCh38, chr2:165,949,688, plus strand): 5'-TGAAGACTGGATCACTTCCATACCTCTTAATTCCTTCACTGGCAACCAGTAATACATGAT[G>A]GAAATATCTCTCTTGACAATAGTAATTAATCAAAGTCTAAATGGAAATAATGAAAAAATG-3'
Protein context (NP_079029.3, residues 10-30): INYYCQERYF[His20Tyr]HVLLVASEGI

ClinVar aggregate classification (germline): Uncertain significance (1 of 4 stars; one submission).

Conditions:
Jeune thoracic dystrophy. Also called: Jeune syndrome; Infantile thoracic dystrophy; Thoracic pelvic phalangeal dystrophy; Jeune's syndrome; Chondroectodermal dysplasia-like syndrome; Short-rib thoracic dysplasia. Identifiers: Orphanet 474, MedGen C0265275, MONDO:0018770.
Nephronophthisis. Also called: Juvenile Nephronophthisis. Identifiers: Orphanet 655, MedGen C0687120, MONDO:0019005, HP:0000090.

Allele frequency attached by ClinVar (database versions not stated): gnomAD exomes below 0.00001.
gnomAD v4.1: 2 of 1,612,188 alleles (0.00012%); highest among the groups gnomAD compares: African/African-American, 0.0027%; no homozygotes.

Submission:

Labcorp Genetics (formerly Invitae), Labcorp
Classification: Uncertain significance for Jeune thoracic dystrophy; Nephronophthisis. Last evaluated: 2021-06-28. Review status: criteria provided, single submitter. Criteria: Invitae Variant Classification Sherloc (09022015). Collection method: clinical testing. Allele origin: germline.
Comment: In summary, the available evidence is currently insufficient to determine the role of this variant in disease. Therefore, it has been classified as a Variant of Uncertain Significance. This sequence change replaces histidine with tyrosine at codon 20 of the TTC21B protein (p.His20Tyr). The histidine residue is highly conserved and there is a moderate physicochemical difference between histidine and tyrosine. This variant is not present in population databases (ExAC no frequency). This variant has not been reported in the literature in individuals affected with TTC21B-related conditions. Algorithms developed to predict the effect of missense changes on protein structure and function (SIFT, PolyPhen-2, Align-GVGD) all suggest that this variant is likely to be tolerated.